The following is an entry in ClinVar:

ClinVar aggregate classification (germline): Uncertain significance (1 of 4 stars; one submission).

Submission:

Labcorp Genetics (formerly Invitae), Labcorp
Classification: Uncertain significance. Last evaluated: 2022-02-14. Review status: criteria provided, single submitter. Criteria: Invitae Variant Classification Sherloc (09022015). Collection method: clinical testing. Allele origin: germline.
Comment: This sequence change replaces glutamic acid, which is acidic and polar, with glycine, which is neutral and non-polar, at codon 1489 of the MTOR protein (p.Glu1489Gly). This variant is not present in population databases (gnomAD no frequency). This variant has not been reported in the literature in individuals affected with MTOR-related conditions. Advanced modeling of protein sequence and biophysical properties (such as structural, functional, and spatial information, amino acid conservation, physicochemical variation, residue mobility, and thermodynamic stability) performed at Invitae indicates that this missense variant is expected to disrupt MTOR protein function. In summary, the available evidence is currently insufficient to determine the role of this variant in disease. Therefore, it has been classified as a Variant of Uncertain Significance.

NM_004958.4(MTOR):c.4466A>G (p.Glu1489Gly)

Gene: MTOR (mechanistic target of rapamycin kinase; minus strand). Cytogenetic location: 1p36.22.
Variant type: single nucleotide variant.
Coding change: c.4466A>G on transcript NM_004958.4 (MANE Select); coding-DNA position 4466, A replaced by G.
Protein change: p.Glu1489Gly; replaces glutamic acid 1489 with glycine.
Molecular consequence: missense variant.
Genome position (GRCh38, 1-based): chr1:11,157,155, T>C on the plus strand (A>G on the coding strand, the complement: MTOR is on the minus strand). VCF-style: chr1-11157155-T-C. GRCh37 (hg19) VCF-style: chr1-11217212-T-C.
Other names: c.4466A>G, p.Glu1489Gly (NM_001386500.1); c.3218A>G, p.Glu1073Gly (NM_001386501.1); short protein forms E1489G, E1073G.
Identifiers: ClinVar variation 2081427 (VCV002081427.4), dbSNP rs2522603993, ClinGen allele CA338371464.